The following is an entry in ClinVar:

NM_005883.3(APC2):c.4219A>G (p.Ser1407Gly)

Gene: APC2 (APC regulator of Wnt signaling pathway 2; plus strand). Cytogenetic location: 19p13.3.
Variant type: single nucleotide variant.
Coding change: c.4219A>G on transcript NM_005883.3 (MANE Select); coding-DNA position 4219, A replaced by G.
Protein change: p.Ser1407Gly; replaces serine 1407 with glycine.
Molecular consequence: missense variant.
Genome position (GRCh38, 1-based): chr19:1,467,520, A>G. VCF-style: chr19-1467520-A-G. GRCh37 (hg19) VCF-style: chr19-1467519-A-G.
Other names: c.4216A>G, p.Ser1406Gly (NM_001351273.1); short protein forms S1406G, S1407G.
Identifiers: ClinVar variation 1975395 (VCV001975395.5), dbSNP rs1240977798, ClinGen allele CA403034851.

ClinVar aggregate classification (germline): Uncertain significance (1 of 4 stars; one submission).

Allele frequency attached by ClinVar (database versions not stated): gnomAD exomes 0.00001.
gnomAD v4.1: 3 of 1,472,916 alleles (0.0002%); highest among the groups gnomAD compares: Admixed American, 0.0046%; no homozygotes.

Submission:

Labcorp Genetics (formerly Invitae), Labcorp
Classification: Uncertain significance. Last evaluated: 2022-08-13. Review status: criteria provided, single submitter. Criteria: Invitae Variant Classification Sherloc (09022015). Collection method: clinical testing. Allele origin: germline.
Comment: In summary, the available evidence is currently insufficient to determine the role of this variant in disease. Therefore, it has been classified as a Variant of Uncertain Significance. Algorithms developed to predict the effect of missense changes on protein structure and function are either unavailable or do not agree on the potential impact of this missense change (SIFT: "Deleterious"; PolyPhen-2: "Probably Damaging"; Align-GVGD: "Class C0"). This variant has not been reported in the literature in individuals affected with APC2-related conditions. This variant is present in population databases (no rsID available, gnomAD 0.006%). This sequence change replaces serine, which is neutral and polar, with glycine, which is neutral and non-polar, at codon 1407 of the APC2 protein (p.Ser1407Gly).